The following is an entry in ClinVar:

ClinVar aggregate classification (germline): Likely benign. Review status: criteria provided, multiple submitters, no conflicts (2 of 4 stars). 4 submissions from 4 submitters: Likely benign (3). 1 of the submissions does not count toward it. Last evaluated 2025-02-23.

Conditions:
PTPRO-related disorder. Also called: PTPRO-related condition.

Allele frequency attached by ClinVar (database versions not stated): ESP Exome Variant Server 0.00008; gnomAD 0.00018 and 0.00019; gnomAD exomes 0.00019 and 0.00020; ExAC 0.00022; TOPMed 0.00025; 1000 Genomes Project 30x 0.00031; 1000 Genomes Project 0.00040.
gnomAD v4.1: 330 of 1,613,658 alleles (0.02%); highest among the groups gnomAD compares: Middle Eastern, 0.61%; 1 homozygote.

Submissions (4):

Labcorp Genetics (formerly Invitae), Labcorp
Classification: Likely benign. Last evaluated: 2025-02-23. Review status: criteria provided, single submitter. Criteria: Invitae Variant Classification Sherloc (09022015). Collection method: clinical testing. Allele origin: germline.

Blueprint Genetics
Classification: Likely benign. Last evaluated: 2024-11-08. Review status: criteria provided, single submitter. Criteria: ACMG Guidelines, 2015. Collection method: clinical testing. Allele origin: germline.

Breakthrough Genomics
Classification: Likely benign. Review status: criteria provided, single submitter. Criteria: ACMG Guidelines, 2015. Collection method: not provided. Allele origin: germline. Inheritance: Autosomal recessive inheritance. Affected: yes.

PreventionGenetics, part of Exact Sciences
Classification: Likely benign for PTPRO-related condition. Last evaluated: 2022-02-09. Review status: no assertion criteria provided. Collection method: clinical testing. Allele origin: germline. Not counted in ClinVar's aggregate classification.
Comment: This variant is classified as likely benign based on ACMG/AMP sequence variant interpretation guidelines (Richards et al. 2015 PMID: 25741868, with internal and published modifications).

NM_030667.3(PTPRO):c.1465-9G>T

Gene: PTPRO (protein tyrosine phosphatase receptor type O; plus strand). Cytogenetic location: 12p12.3.
Variant type: single nucleotide variant.
Coding change: c.1465-9G>T on transcript NM_030667.3 (MANE Select); 9 bases into the intron before coding-DNA position 1465, G replaced by T.
Molecular consequence: intron variant.
Genome position (GRCh38, 1-based): chr12:15,515,489, G>T. VCF-style: chr12-15515489-G-T. GRCh37 (hg19) VCF-style: chr12-15668423-G-T.
Other names: c.1465-9G>T (NM_002848.4).
Identifiers: ClinVar variation 774818 (VCV000774818.13), dbSNP rs201982128, ClinGen allele CA6466530.